The following is an entry in ClinVar:

NM_000138.5(FBN1):c.4583-9G>A

Gene: FBN1 (fibrillin 1; minus strand). Cytogenetic location: 15q21.1.
Variant type: single nucleotide variant.
Coding change: c.4583-9G>A on transcript NM_000138.5 (MANE Select); 9 bases into the intron before coding-DNA position 4583, G replaced by A.
Molecular consequence: intron variant.
Genome position (GRCh38, 1-based): chr15:48,468,111, C>T on the plus strand (G>A on the coding strand, the complement: FBN1 is on the minus strand). VCF-style: chr15-48468111-C-T. GRCh37 (hg19) VCF-style: chr15-48760308-C-T.
Other names: c.4583-9G>A (NM_000138.4).
Identifiers: ClinVar variation 1444385 (VCV001444385.8), dbSNP rs2043338449, ClinGen allele CA2573150815.

ClinVar aggregate classification (germline): Conflicting classifications of pathogenicity. Review status: criteria provided, conflicting classifications (1 of 4 stars). 3 submissions from 3 submitters: Pathogenic (1); Likely pathogenic (1); Uncertain significance (1). Last evaluated 2025-04-07.

Conditions:
Marfan syndrome (MFS). Also called: Marfan syndrome type 1; Marfan's syndrome; MARFAN SYNDROME, TYPE I; Marfan syndrome, classic; FBN1-Related Marfan Syndrome. Identifiers: Orphanet 284963, Orphanet 558, MedGen C0024796, MONDO:0007947, OMIM 154700.
Familial thoracic aortic aneurysm and aortic dissection (TAAD). Also called: Thoracic aortic aneurysms and dissections. Identifiers: Orphanet 91387, MedGen C4707243, MONDO:0019625.

Submissions (3):

Labcorp Genetics (formerly Invitae), Labcorp
Classification: Pathogenic for Marfan syndrome; Familial thoracic aortic aneurysm and aortic dissection. Last evaluated: 2025-04-07. Review status: criteria provided, single submitter. Criteria: Invitae Variant Classification Sherloc (09022015). Collection method: clinical testing. Allele origin: germline.
Comment: This sequence change falls in intron 37 of the FBN1 gene. It does not directly change the encoded amino acid sequence of the FBN1 protein. This variant is not present in population databases (gnomAD no frequency). This variant has been observed in individual(s) with clinical features of Marfan syndrome (PMID: 25652356; internal data). In at least one individual the variant was observed to be de novo. ClinVar contains an entry for this variant (Variation ID: 1444385). Algorithms developed to predict the effect of sequence changes on RNA splicing suggest that this variant may disrupt the consensus splice site. For these reasons, this variant has been classified as Pathogenic.

ARUP Laboratories, Molecular Genetics and Genomics, ARUP Laboratories
Classification: Uncertain significance. Last evaluated: 2023-07-13. Review status: criteria provided, single submitter. Criteria: ARUP Molecular Germline Variant Investigation Process 2024. Collection method: clinical testing. Allele origin: germline.
Comment: The FBN1 c.4583-9G>A variant is reported in the literature in one individual affected with Marfan syndrome (Baudhuin 2015). This variant is also reported in ClinVar (Variation ID: 1444385) and is absent from the Genome Aggregation Database, indicating it is not a common polymorphism. This is an intronic variant in a weakly conserved nucleotide, but computational analyses (Alamut Visual Plus v.1.5.1) predict that this variant may impact splicing by creating a novel cryptic acceptor splice site. However, given the lack of clinical and functional data, the significance of this variant is uncertain at this time. References: Baudhuin LM et al. Decreased frequency of FBN1 missense variants in Ghent criteria-positive Marfan syndrome and characterization of novel FBN1 variants. J Hum Genet. 2015 May;60(5):241-52. PMID: 25652356.

Clinical Genetics Service, Universitary Hospital 12 de Octubre
Classification: Likely pathogenic for Marfan syndrome. Review status: criteria provided, single submitter. Criteria: ACMG Guidelines, 2015. Collection method: clinical testing. Allele origin: de novo. Affected: yes.

Literature cited by the submitters: PubMed 25652356 (cited by Labcorp Genetics (formerly Invitae), Labcorp).